The following is an entry in ClinVar:

ClinVar aggregate classification (germline): Benign/Likely benign. Review status: criteria provided, multiple submitters, no conflicts (2 of 4 stars). 2 submissions from 2 submitters: Benign (1); Likely benign (1). Last evaluated 2025-12-26.

Conditions:
MAMLD1-related disorder. Also called: MAMLD1-related condition.

gnomAD v4.1: 39 of 1,101,307 alleles (0.0035%); highest among the groups gnomAD compares: African/African-American, 0.04%; no homozygotes.

Submissions (2):

PreventionGenetics, part of Exact Sciences
Classification: Likely benign for MAMLD1-related condition. Last evaluated: 2025-12-26. Review status: criteria provided, single submitter. Criteria: ACMG Guidelines, 2015. Collection method: clinical testing. Allele origin: germline.
Comment: This variant is classified as likely benign based on ACMG/AMP sequence variant interpretation guidelines (Richards et al. 2015 PMID: 25741868, with internal and published modifications).

Labcorp Genetics (formerly Invitae), Labcorp
Classification: Benign. Last evaluated: 2024-02-14. Review status: criteria provided, single submitter. Criteria: Invitae Variant Classification Sherloc (09022015). Collection method: clinical testing. Allele origin: germline.

NM_005491.5(MAMLD1):c.2277C>T (p.Asp759=)

Gene: MAMLD1 (mastermind like domain containing 1; plus strand). Cytogenetic location: Xq28.
Variant type: single nucleotide variant.
Coding change: c.2277C>T on transcript NM_005491.5 (MANE Select); coding-DNA position 2277, C replaced by T.
Protein change: p.Asp759=; no amino-acid change (aspartic acid 759 retained).
Molecular consequence: synonymous variant. On other transcripts: intron variant (2).
Genome position (GRCh38, 1-based): chrX:150,503,510, C>T. VCF-style: chrX-150503510-C-T. GRCh37 (hg19) VCF-style: chrX-149671780-C-T.
Other names: c.2202C>T, p.Asp734= (NM_001177466.3); c.2154C>T, p.Asp718= (NM_001400513.1); c.2079C>T, p.Asp693= (NM_001400514.1); c.2277C>T, p.Asp759= (NM_001400515.1); c.1918-6452C>T (NM_001400512.1); c.1843-6452C>T (NM_001177465.3).
Identifiers: ClinVar variation 3666467 (VCV003666467.3).